The following is an entry in ClinVar:

NC_012920.1(MT-TL2):m.12335T>C

Gene: MT-TL2 (mitochondrially encoded tRNA leucine 2 (CUN); plus strand).
Variant type: single nucleotide variant.
Genome position: chrM-12335-T-C.
Identifiers: ClinVar variation 690197 (VCV000690197.2), dbSNP rs1603223668, ClinGen allele CA913170150.

ClinVar aggregate classification (germline): Uncertain significance. Review status: reviewed by expert panel (3 of 4 stars). 2 submissions from 2 submitters: Uncertain significance (1). 1 of the submissions does not count toward it. Last evaluated 2024-12-03.

Conditions:
Mitochondrial disease. Also called: Mitochondrial disorder; Mitochondrial disorders. Identifiers: Orphanet 68380, MedGen C0751651, MeSH D028361, MONDO:0044970.
MELAS syndrome (MELAS). Also called: Juvenile myopathy, encephalopathy, lactic acidosis, stroke. Identifiers: Orphanet 550, MedGen C0162671, MONDO:0010789, OMIM 540000.

Submissions (2):

ClinGen Mitochondrial Disease Nuclear and Mitochondrial  Variant Curation Expert Panel, ClinGen
Classification: Uncertain significance for Mitochondrial disease. Last evaluated: 2024-12-03. Review status: reviewed by expert panel. Criteria: clingen mito disease acmg specifications v1-1. Collection method: curation. Allele origin: germline. Inheritance: Mitochondrial inheritance.
Comment: The m.12335T>C variant in MT-TL2 has been reported in one individual with primary mitochondrial disease to date, however clinical details were not provided (PMID: 31965079). This variant is absent in the MITOMAP GenBank dataset, gnomAD v3.1.2, and the Helix dataset (PM2_supporting). In silico predictors are conflicting as the computational predictor MitoTIP suggests this variant is pathogenic (60.2 percentile) and HmtVAR predicts it to be neutral with a score of 0.05. There are no cybrids, single fiber studies, or other functional assays reported on this variant. In summary, this variant meets criteria to be classified as uncertain significance for primary mitochondrial disease inherited in a mitochondrial manner. This classification was approved by the NICHD/NINDS U24 ClinGen Mitochondrial Disease Variant Curation Expert Panel on December 3, 2024. Mitochondrial DNA-specific ACMG/AMP criteria applied (PMID: 32906214): PM2_supporting.

Wong Mito Lab, Molecular and Human Genetics, Baylor College of Medicine
Classification: Likely pathogenic for MELAS syndrome. Last evaluated: 2019-07-12. Review status: criteria provided, single submitter. Criteria: Modified ACMG Guidelines (Unpublished). Collection method: clinical testing. Allele origin: germline. Not counted in ClinVar's aggregate classification.
Comment: The NC_012920.1:m.12335T>C variant in MT-TL2 gene is interpreted to be a Likely Pathogenic variant based on the modified ACMG guidelines (unpublished). This variant meets the following evidence codes reported in the guidelines: PM8, PM9, PP3, PP7

Literature cited by the submitters: PubMed 31965079 (cited by Wong Mito Lab, Molecular and Human Genetics, Baylor College of Medicine).